The following is an entry in ClinVar:

NM_003601.4(SMARCA5):c.2932C>T (p.Arg978Cys)

Gene: SMARCA5 (SNF2 related chromatin remodeling ATPase 5; plus strand). Cytogenetic location: 4q31.21.
Variant type: single nucleotide variant.
Coding change: c.2932C>T on transcript NM_003601.4 (MANE Select); coding-DNA position 2932, C replaced by T.
Protein change: p.Arg978Cys; replaces arginine 978 with cysteine.
Molecular consequence: missense variant.
Genome position (GRCh38, 1-based): chr4:143,548,087, C>T. VCF-style: chr4-143548087-C-T. GRCh37 (hg19) VCF-style: chr4-144469240-C-T.
Other names: short protein forms R978C.
Identifiers: ClinVar variation 3061168 (VCV003061168.3), dbSNP rs2531512529, ClinGen allele CA358346241.
Genomic context (GRCh38, chr4:143,548,087, plus strand): 5'-ATGCTTCACAAACTTGGATTTGACAAAGAAAATGTTTATGATGAATTGCGACAGTGTATT[C>T]GCAACTCTCCTCAGTTCAGATTTGACTGGTTTCTTAAGTCCAGAACTGCAATGGTGAGTG-3'
Protein context (NP_003592.3, residues 968-988): NVYDELRQCI[Arg978Cys]NSPQFRFDWF

ClinVar aggregate classification (germline): Uncertain significance (1 of 4 stars; one submission).

Conditions:
SMARCA5-related disorder. Also called: SMARCA5-related condition; SMARCA5-Related Disorders.

Allele frequency attached by ClinVar (database versions not stated): gnomAD exomes below 0.00001.
gnomAD v4.1: 1 of 1,612,708 alleles (0.000062%); highest among the groups gnomAD compares: Non-Finnish European, 0.000085%; no homozygotes.

Submission:

PreventionGenetics, part of Exact Sciences
Classification: Uncertain significance for SMARCA5-related condition. Last evaluated: 2026-05-21. Review status: criteria provided, single submitter. Criteria: ACMG Guidelines, 2015. Collection method: clinical testing. Allele origin: germline.
Comment: The SMARCA5 c.2932C>T variant is predicted to result in the amino acid substitution p.Arg978Cys. To our knowledge, this variant has not been reported in the literature or in a large population database (gnomAD), indicating this variant is rare. At this time, the clinical significance of this variant is uncertain due to the absence of conclusive functional and genetic evidence.